The following is an entry in ClinVar:

ClinVar aggregate classification (germline): Likely benign. Review status: criteria provided, multiple submitters, no conflicts (2 of 4 stars). 3 submissions from 3 submitters: Likely benign (3). Last evaluated 2025-05-05.

Conditions:
Mowat-Wilson syndrome (MOWS). Also called: Classic Mowat-Wilson Syndrome. Identifiers: Orphanet 2152, MedGen C1856113, MONDO:0009341, OMIM 235730.

Allele frequency attached by ClinVar (database versions not stated): gnomAD 0.00003 and 0.00004; TOPMed 0.00004; ESP Exome Variant Server 0.00008.
gnomAD v4.1: 25 of 1,613,780 alleles (0.0015%); highest among the groups gnomAD compares: African/African-American, 0.0093%; no homozygotes.

Submissions (3):

Labcorp Genetics (formerly Invitae), Labcorp
Classification: Likely benign for Mowat-Wilson syndrome. Last evaluated: 2025-05-05. Review status: criteria provided, single submitter. Criteria: Invitae Variant Classification Sherloc (09022015). Collection method: clinical testing. Allele origin: germline.

Blueprint Genetics
Classification: Likely benign. Last evaluated: 2022-10-07. Review status: criteria provided, single submitter. Criteria: ACMG Guidelines, 2015. Collection method: clinical testing. Allele origin: germline.

GeneDx
Classification: Likely benign. Last evaluated: 2018-03-23. Review status: criteria provided, single submitter. Criteria: GeneDx Variant Classification (06012015). Collection method: clinical testing. Allele origin: germline. Affected: yes.
Comment: This variant is considered likely benign or benign based on one or more of the following criteria: it is a conservative change, it occurs at a poorly conserved position in the protein, it is predicted to be benign by multiple in silico algorithms, and/or has population frequency not consistent with disease.

NM_014795.4(ZEB2):c.403+19G>A

Gene: ZEB2 (zinc finger E-box binding homeobox 2; minus strand). Cytogenetic location: 2q22.3.
Variant type: single nucleotide variant.
Coding change: c.403+19G>A on transcript NM_014795.4 (MANE Select); 19 bases into the intron after coding-DNA position 403, G replaced by A.
Molecular consequence: intron variant.
Genome position (GRCh38, 1-based): chr2:144,424,777, C>T on the plus strand (G>A on the coding strand, the complement: ZEB2 is on the minus strand). VCF-style: chr2-144424777-C-T. GRCh37 (hg19) VCF-style: chr2-145182344-C-T.
Other names: c.331+4992G>A (NM_001171653.2).
Identifiers: ClinVar variation 669875 (VCV000669875.6), dbSNP rs370420734, ClinGen allele CA1898528.